The following is an entry in ClinVar:

ClinVar aggregate classification (germline): Uncertain significance (1 of 4 stars; one submission).

gnomAD v4.1: 22 of 1,614,080 alleles (0.0014%); highest among the groups gnomAD compares: Non-Finnish European, 0.0018%; no homozygotes.

Submission:

Labcorp Genetics (formerly Invitae), Labcorp
Classification: Uncertain significance. Last evaluated: 2026-01-22. Review status: criteria provided, single submitter. Criteria: Invitae Variant Classification Sherloc (09022015). Collection method: clinical testing. Allele origin: germline.
Comment: This sequence change replaces glutamic acid, which is acidic and polar, with lysine, which is basic and polar, at codon 1024 of the SCN3A protein (p.Glu1024Lys). This variant is not present in population databases (gnomAD no frequency). This variant has not been reported in the literature in individuals affected with SCN3A-related conditions. ClinVar contains an entry for this variant (Variation ID: 1045019). Invitae Evidence Modeling of protein sequence and biophysical properties (such as structural, functional, and spatial information, amino acid conservation, physicochemical variation, residue mobility, and thermodynamic stability) indicates that this missense variant is not expected to disrupt SCN3A protein function with a negative predictive value of 80%. In summary, the available evidence is currently insufficient to determine the role of this variant in disease. Therefore, it has been classified as a Variant of Uncertain Significance.

NM_006922.4(SCN3A):c.3070G>A (p.Glu1024Lys)

Gene: SCN3A (sodium voltage-gated channel alpha subunit 3; minus strand). Cytogenetic location: 2q24.3.
Variant type: single nucleotide variant.
Coding change: c.3070G>A on transcript NM_006922.4 (MANE Select); coding-DNA position 3070, G replaced by A.
Protein change: p.Glu1024Lys; replaces glutamic acid 1024 with lysine.
Molecular consequence: missense variant.
Genome position (GRCh38, 1-based): chr2:165,127,954, C>T on the plus strand (G>A on the coding strand, the complement: SCN3A is on the minus strand). VCF-style: chr2-165127954-C-T. GRCh37 (hg19) VCF-style: chr2-165984464-C-T.
Other names: c.2923G>A, p.Glu975Lys (NM_001081676.2, NM_001081677.2); short protein forms E1024K, E975K.
Identifiers: ClinVar variation 1045019 (VCV001045019.8), dbSNP rs1553522170, ClinGen allele CA349041186.